The following is an entry in ClinVar:

NM_000081.4(LYST):c.5989G>A (p.Ala1997Thr)

Gene: LYST (lysosomal trafficking regulator; minus strand). Cytogenetic location: 1q42.3.
Variant type: single nucleotide variant.
Coding change: c.5989G>A on transcript NM_000081.4 (MANE Select); coding-DNA position 5989, G replaced by A.
Protein change: p.Ala1997Thr; replaces alanine 1997 with threonine.
Molecular consequence: missense variant.
Genome position (GRCh38, 1-based): chr1:235,766,211, C>T on the plus strand (G>A on the coding strand, the complement: LYST is on the minus strand). VCF-style: chr1-235766211-C-T. GRCh37 (hg19) VCF-style: chr1-235929511-C-T.
Other names: c.5989G>A, p.Ala1997Thr (NM_001301365.1); short protein forms A1997T.
Identifiers: ClinVar variation 2051668 (VCV002051668.1), dbSNP rs1646243476, ClinGen allele CA344947838.

ClinVar aggregate classification (germline): Uncertain significance (1 of 4 stars; one submission).

Conditions:
Chédiak-Higashi syndrome (CHS). Also called: Chediak-Higashi Syndrome. Identifiers: Orphanet 167, MedGen C0007965, MONDO:0008963, OMIM 214500.

Allele frequency attached by ClinVar (database versions not stated): gnomAD exomes below 0.00001; TOPMed 0.00003.
gnomAD v4.1: 1 of 1,613,302 alleles (0.000062%); highest among the groups gnomAD compares: Admixed American, 0.0017%; no homozygotes.

Submission:

Labcorp Genetics (formerly Invitae), Labcorp
Classification: Uncertain significance for Chédiak-Higashi syndrome. Last evaluated: 2022-06-15. Review status: criteria provided, single submitter. Criteria: Invitae Variant Classification Sherloc (09022015). Collection method: clinical testing. Allele origin: germline.
Comment: This sequence change replaces alanine, which is neutral and non-polar, with threonine, which is neutral and polar, at codon 1997 of the LYST protein (p.Ala1997Thr). This variant is not present in population databases (gnomAD no frequency). This variant has not been reported in the literature in individuals affected with LYST-related conditions. Algorithms developed to predict the effect of missense changes on protein structure and function are either unavailable or do not agree on the potential impact of this missense change (SIFT: "Tolerated"; PolyPhen-2: "Possibly Damaging"; Align-GVGD: "Class C0"). In summary, the available evidence is currently insufficient to determine the role of this variant in disease. Therefore, it has been classified as a Variant of Uncertain Significance.